The following is an entry in ClinVar:

NM_001130144.3(LTBP3):c.2332C>A (p.Pro778Thr)

Genes: LTBP3 (latent transforming growth factor beta binding protein 3; minus strand), LOC130006029 (ATAC-STARR-seq lymphoblastoid silent region 3532; plus strand). Cytogenetic location: 11q13.1.
Variant type: single nucleotide variant.
Coding change: c.2332C>A on transcript NM_001130144.3 (MANE Select); coding-DNA position 2332, C replaced by A.
Protein change: p.Pro778Thr; replaces proline 778 with threonine.
Molecular consequence: missense variant.
Genome position (GRCh38, 1-based): chr11:65,546,463, G>T on the plus strand (C>A on the coding strand, the complement: LTBP3 is on the minus strand). VCF-style: chr11-65546463-G-T. GRCh37 (hg19) VCF-style: chr11-65313934-G-T.
Other names: c.1981C>A, p.Pro661Thr (NM_001164266.1); c.2332C>A, p.Pro778Thr (NM_021070.4); short protein forms P661T, P778T.
Identifiers: ClinVar variation 1345293 (VCV001345293.8), dbSNP rs2135138292, ClinGen allele CA381269617.
Genomic context (GRCh38, chr11:65,546,463, plus strand): 5'-GGGGCGGCGGAGGCCCGGGGCGGGGGTGCTGGCGCTCACCCAAGCAACTGCGGCCGTCGG[G>T]CGCGGGCGCGTAGCCCTGGGCACAGGTGCAGCGGAAGGAGCCCGGGAGGTTCTCGCACCA-3'
Protein context (NP_001123616.1, residues 768-788): CTCAQGYAPA[Pro778Thr]DGRSCLDVDE

ClinVar aggregate classification (germline): Uncertain significance (1 of 4 stars; one submission).

Conditions:
Brachyolmia-amelogenesis imperfecta syndrome. Also called: Tooth agenesis, selective, 6; Dental anomalies and short stature; PLATYSPONDYLY WITH AMELOGENESIS IMPERFECTA. Identifiers: Orphanet 2899, MedGen C1832594, MONDO:0011018, OMIM 601216. Disease mechanism: loss of function.

Submission:

Labcorp Genetics (formerly Invitae), Labcorp
Classification: Uncertain significance for Brachyolmia-amelogenesis imperfecta syndrome. Last evaluated: 2021-04-14. Review status: criteria provided, single submitter. Criteria: Invitae Variant Classification Sherloc (09022015). Collection method: clinical testing. Allele origin: germline.
Comment: In summary, the available evidence is currently insufficient to determine the role of this variant in disease. Therefore, it has been classified as a Variant of Uncertain Significance. Algorithms developed to predict the effect of missense changes on protein structure and function (SIFT, PolyPhen-2, Align-GVGD) all suggest that this variant is likely to be tolerated, but these predictions have not been confirmed by published functional studies and their clinical significance is uncertain. This variant has not been reported in the literature in individuals with LTBP3-related conditions. This variant is not present in population databases (ExAC no frequency). This sequence change replaces proline with threonine at codon 778 of the LTBP3 protein (p.Pro778Thr). The proline residue is weakly conserved and there is a small physicochemical difference between proline and threonine.